The following is an entry in ClinVar:

NM_130384.3(ATRIP):c.913T>C (p.Ser305Pro)

Genes: ATRIP (ATR interacting protein; plus strand), ATRIP-TREX1 (ATRIP-TREX1 readthrough; plus strand). Cytogenetic location: 3p21.31.
Variant type: single nucleotide variant.
Coding change: c.913T>C on transcript NM_130384.3 (MANE Select); coding-DNA position 913, T replaced by C.
Protein change: p.Ser305Pro; replaces serine 305 with proline.
Molecular consequence: missense variant. On other transcripts: non-coding transcript variant (1).
Genome position (GRCh38, 1-based): chr3:48,459,442, T>C. VCF-style: chr3-48459442-T-C. GRCh37 (hg19) VCF-style: chr3-48500841-T-C.
Other names: c.532T>C, p.Ser178Pro (NM_001271022.2); c.634T>C, p.Ser212Pro (NM_001271023.2); c.913T>C, p.Ser305Pro (NM_032166.4); short protein forms S178P, S212P, S305P.
Identifiers: ClinVar variation 4844944 (VCV004844944.1).
Genomic context (GRCh38, chr3:48,459,442, plus strand): 5'-GGTGACTCCATAAAACAAGAAGAGGCCCAGAAAAGCTTTGTTGACAGCTGGAGACAGAGA[T>C]CAAACACTCAAGGTACCAGAATCCCTGCTTCTCCTGCAGGGGCCTGCATGGCTCTGAGTA-3'
Protein context (NP_569055.1, residues 295-315): KSFVDSWRQR[Ser305Pro]NTQGSILINL

ClinVar aggregate classification (germline): Uncertain significance (1 of 4 stars; one submission).

Submission:

Ambry Genetics
Classification: Uncertain significance. Last evaluated: 2026-02-14. Review status: criteria provided, single submitter. Criteria: Ambry Variant Classification Scheme 2023. Collection method: clinical testing. Allele origin: germline.
Comment: The p.S305P variant (also known as c.913T>C), located in coding exon 6 of the ATRIP gene, results from a T to C substitution at nucleotide position 913. The serine at codon 305 is replaced by proline, an amino acid with similar properties. This amino acid position is conserved. In addition, this alteration is predicted to be tolerated by in silico analysis. Based on the available evidence, the clinical significance of this variant remains unclear.